The following is an entry in ClinVar:

NM_001042492.3(NF1):c.6272del (p.Asn2091fs)

Gene: NF1 (neurofibromin 1; plus strand). Cytogenetic location: 17q11.2.
Variant type: Deletion.
Coding change: c.6272del on transcript NM_001042492.3 (MANE Select); coding-DNA position 6272, one base deleted (A; older notation c.6272delA).
Protein change: p.Asn2091fs; shifts the reading frame from asparagine 2091.
Molecular consequence: frameshift variant.
Genome position (GRCh38, 1-based): chr17:31,336,759, A deleted; the last of 2 consecutive A bases (chr17:31,336,758-31,336,759); deleting either gives the same sequence. VCF-style (leftmost placement, unchanged base first): chr17-31336757-CA-C. GRCh37 (hg19) VCF-style: chr17-29663775-CA-C.
Other names: c.6209delA, p.Asn2070Thrfs (NM_000267.3); c.6209del, p.Asn2070fs (NM_000267.4); short protein forms N2070fs, N2091fs.
Identifiers: ClinVar variation 4537886 (VCV004537886.1).

ClinVar aggregate classification (germline): Pathogenic (1 of 4 stars; one submission).

Submission:

GeneDx
Classification: Pathogenic. Last evaluated: 2025-06-09. Review status: criteria provided, single submitter. Criteria: GeneDx Variant Classification Process June 2021. Collection method: clinical testing. Allele origin: germline. Affected: yes.
Comment: Frameshift variant predicted to result in protein truncation or nonsense mediated decay in a gene for which loss-of-function is a known mechanism of disease; Not observed at significant frequency in large population cohorts (gnomAD); Has not been previously published as pathogenic or benign to our knowledge